The following is an entry in ClinVar:

NM_032043.3(BRIP1):c.2765T>G (p.Leu922Ter)

Gene: BRIP1 (BRCA1 interacting DNA helicase 1; minus strand). Cytogenetic location: 17q23.2.
Variant type: single nucleotide variant.
Coding change: c.2765T>G on transcript NM_032043.3 (MANE Select); coding-DNA position 2765, T replaced by G.
Protein change: p.Leu922Ter; replaces leucine 922 with a stop codon.
Molecular consequence: nonsense.
Genome position (GRCh38, 1-based): chr17:61,685,976, A>C on the plus strand (T>G on the coding strand, the complement: BRIP1 is on the minus strand). VCF-style: chr17-61685976-A-C. GRCh37 (hg19) VCF-style: chr17-59763337-A-C.
Other names: short protein forms L922*.
Identifiers: ClinVar variation 142366 (VCV000142366.43), dbSNP rs587782410, ClinGen allele CA168171.

ClinVar aggregate classification (germline): Pathogenic/Likely pathogenic. Review status: criteria provided, multiple submitters, no conflicts (2 of 4 stars). 17 submissions from 16 submitters: Pathogenic (12); Likely pathogenic (3). 2 of the submissions do not count toward it. Last evaluated 2026-01-04.

Conditions:
Hereditary cancer-predisposing syndrome. Also called: Neoplastic Syndromes, Hereditary; Hereditary Cancer Syndrome; Hereditary neoplastic syndrome; Tumor predisposition. Identifiers: Orphanet 140162, MedGen C0027672, MeSH D009386, MONDO:0015356.
Familial cancer of breast. Also called: Hereditary breast cancer; hereditary breast carcinoma; BREAST CANCER, FAMILIAL. Identifiers: Orphanet 227535, MedGen C0346153, MONDO:0016419, OMIM 114480. Disease mechanism: loss of function.
Fanconi anemia complementation group J. Also called: BRIP1-Related Fanconi Anemia. Identifiers: Orphanet 84, MedGen C1836860, MONDO:0012187, OMIM 609054.
Ovarian cancer. Also called: OVARIAN CANCER, SOMATIC. Identifiers: Orphanet 213500, MedGen C1140680, MONDO:0008170, OMIM 167000.
Hereditary breast ovarian cancer syndrome. Also called: Hereditary breast and ovarian cancer syndrome; Hereditary breast and/or ovarian cancer syndrome; BRCA1- and BRCA2-Associated Hereditary Breast and Ovarian Cancer; Hereditary breast and ovarian cancer; Breast and ovarian cancer; Hereditary breast and ovarian cancer syndrome (HBOC). Identifiers: Orphanet 145, MedGen C0677776, MeSH D061325, MONDO:0003582. Disease mechanism: loss of function.

Allele frequency attached by ClinVar (database versions not stated): ExAC 0.00001; gnomAD 0.00001; gnomAD exomes 0.00001; TOPMed 0.00002.
gnomAD v4.1: 11 of 1,613,916 alleles (0.00068%); highest among the groups gnomAD compares: Non-Finnish European, 0.00093%; no homozygotes.

Submissions (17):

Labcorp Genetics (formerly Invitae), Labcorp
Classification: Pathogenic for Familial cancer of breast; Fanconi anemia complementation group J. Last evaluated: 2026-01-04. Review status: criteria provided, single submitter. Criteria: Invitae Variant Classification Sherloc (09022015). Collection method: clinical testing. Allele origin: germline.
Comment: This sequence change creates a premature translational stop signal (p.Leu922*) in the BRIP1 gene. It is expected to result in an absent or disrupted protein product. Loss-of-function variants in BRIP1 are known to be pathogenic (PMID: 16116423, 17033622, 21964575). This variant is present in population databases (rs587782410, gnomAD 0.003%). This premature translational stop signal has been observed in individual(s) with breast cancer (PMID: 25452441, 26921362). ClinVar contains an entry for this variant (Variation ID: 142366). For these reasons, this variant has been classified as Pathogenic.

German Consortium for Hereditary Breast and Ovarian Cancer, University Hospital Cologne
Classification: Likely pathogenic for Hereditary breast ovarian cancer syndrome. Last evaluated: 2025-10-14. Review status: criteria provided, single submitter. Criteria: ACMG Guidelines, 2015. Collection method: curation. Allele origin: germline.
Comment: This classification follows the ACMG SVI adaptation classification scheme; We chose these criteria: PVS1 (very strong pathogenic): predicted to undergo NMD, present in relevant transcript, PM2 (supporting pathogenic): gnomAD v4.1.0: y0,001% (11xhet) --> <0,002%

Color Diagnostics, LLC DBA Color Health
Classification: Pathogenic for Hereditary cancer-predisposing syndrome. Last evaluated: 2025-08-08. Review status: criteria provided, single submitter. Criteria: ACMG Guidelines, 2015. Collection method: clinical testing. Allele origin: germline.
Comment: This variant changes 1 nucleotide in exon 19 of the BRIP1 gene, creating a premature translation stop signal. This variant is expected to result in an absent or non-functional protein product. This variant has been reported in an individuals affected with breast cancer (PMID: 25452441, 29368626, 33471991). This variant has been identified in 3/251392 chromosomes in the general population by the Genome Aggregation Database (gnomAD). Loss of BRIP1 function is a known mechanism of disease. Based on the available evidence, this variant is classified as Pathogenic.

Women's Health and Genetics/Laboratory Corporation of America, LabCorp
Classification: Pathogenic for Hereditary breast ovarian cancer syndrome. Last evaluated: 2024-10-03. Review status: criteria provided, single submitter. Criteria: LabCorp Variant Classification Summary - May 2015. Collection method: clinical testing. Allele origin: germline.
Comment: Variant summary: BRIP1 c.2765T>G (p.Leu922X) results in a premature termination codon, predicted to cause a truncation of the encoded protein or absence of the protein due to nonsense mediated decay, which are commonly known mechanisms for disease. The variant allele was found at a frequency of 1.2e-05 in 251392 control chromosomes. c.2765T>G has been reported in the heterozygous state in the literature in at least 1 individual affected with breast cancer (example, Weber-Lassalle_2018). ClinVar contains an entry for this variant (Variation ID: 142366). Based on the evidence outlined above, the variant was classified as pathogenic.

Center for Genomic Medicine, Rigshospitalet, Copenhagen University Hospital
Classification: Likely pathogenic. Last evaluated: 2024-07-31. Review status: criteria provided, single submitter. Criteria: ACMG Guidelines, 2015. Collection method: clinical testing. Allele origin: germline.

Ambry Genetics
Classification: Pathogenic for Hereditary cancer-predisposing syndrome. Last evaluated: 2024-06-26. Review status: criteria provided, single submitter. Criteria: Ambry Variant Classification Scheme 2023. Collection method: clinical testing. Allele origin: germline.
Comment: The p.L922* pathogenic mutation (also known as c.2765T>G), located in coding exon 18 of the BRIP1 gene, results from a T to G substitution at nucleotide position 2765. This changes the amino acid from a leucine to a stop codon within coding exon 18. This variant is considered to be rare based on population cohorts in the Genome Aggregation Database (gnomAD). This alteration is expected to result in loss of function by premature protein truncation or nonsense-mediated mRNA decay. As such, this alteration is interpreted as a disease-causing mutation.

Baylor Genetics
Classification: Pathogenic for Familial cancer of breast. Last evaluated: 2024-02-21. Review status: criteria provided, single submitter. Criteria: ACMG Guidelines, 2015. Collection method: clinical testing. Allele origin: unknown.

Fulgent Genetics
Classification: Pathogenic for Familial cancer of breast; Fanconi anemia complementation group J. Last evaluated: 2024-02-21. Review status: criteria provided, single submitter. Criteria: ACMG Guidelines, 2015. Collection method: clinical testing. Allele origin: germline.

GeneDx
Classification: Pathogenic. Last evaluated: 2024-02-11. Review status: criteria provided, single submitter. Criteria: GeneDx Variant Classification Process June 2021. Collection method: clinical testing. Allele origin: germline. Affected: yes.
Comment: Nonsense variant predicted to result in protein truncation or nonsense mediated decay in a gene for which loss of function is a known mechanism of disease; Observed in individuals with a personal or family history consistent with pathogenic variants in this gene referred for genetic testing at GeneDx and in published literature (PMID: 25452441, 26921362, 29368626); Not observed at significant frequency in large population cohorts (gnomAD); This variant is associated with the following publications: (PMID: 26315354, 25452441, 26921362, 28152038, 29368626, 29308099, 31980526, 29922827, 33804961, 35022142, 34887416)

Quest Diagnostics Nichols Institute San Juan Capistrano
Classification: Pathogenic. Last evaluated: 2023-09-05. Review status: criteria provided, single submitter. Criteria: Quest Diagnostics criteria. Collection method: clinical testing. Allele origin: unknown.
Comment: The BRIP1 c.2765T>G (p.Leu922*) variant causes the premature termination of BRIP1 protein synthesis. This variant has been reported in the published literature in individuals with breast and/or ovarian cancer (PMIDs: 25452441 (2015), 26921362 (2016), 29368626 (2018), and 33471991 (2021)), in an individual with testicular, prostate, and bladder cancer (PMDI: 35022142 (2022)), and in unaffected controls (PMIDs: 26315354 (2015), 34887416 (2021), 33804961 (2021), 33471991 (2021), see also LOVD (BRIP1)). The frequency of this variant in the general population, 0.000026 (3/113686 chromosomes (Genome Aggregation Database)), is consistent with pathogenicity. Based on the available information, this variant is classified as pathogenic.

Myriad Genetics, Inc.
Classification: Pathogenic for Familial cancer of breast. Last evaluated: 2023-03-01. Review status: criteria provided, single submitter. Criteria: Myriad Autosomal Dominant, Autosomal Recessive and X-Linked Classification Criteria (2023). Collection method: clinical testing. Allele origin: unknown.
Comment: This variant is considered pathogenic. This variant creates a termination codon and is predicted to result in premature protein truncation.

Institute for Clinical Genetics, University Hospital TU Dresden, University Hospital TU Dresden
Classification: Pathogenic. Last evaluated: 2022-07-29. Review status: criteria provided, single submitter. Criteria: ACMG Guidelines, 2015. Collection method: clinical testing. Allele origin: germline.
Comment: PVS1, PS4, PM2_SUP

MGZ Medical Genetics Center
Classification: Likely pathogenic for Familial cancer of breast. Last evaluated: 2022-03-25. Review status: criteria provided, single submitter. Criteria: ACMG Guidelines, 2015. Collection method: clinical testing. Allele origin: germline. Affected: yes. Observed: 2 variant alleles.
Comment: ACMG criteria applied: PVS1, PM2_SUP

Sema4
Classification: Pathogenic for Hereditary cancer-predisposing syndrome. Last evaluated: 2022-03-11. Review status: criteria provided, single submitter. Criteria: Sema4 Curation Guidelines. Collection method: curation. Allele origin: germline.
Comment: The BRIP1 c.2765T>G (p.L922X) variant has been reported in heterozygosity in at least nine individuals with breast cancer (PMID: 33471991, 25452441, 26921362, 29368626). However, it has also been identified in healthy controls and individuals with no cancer phenotype (PMID: 33471991, 31980526, 26315354, 29922827). This nonsense variant creates a premature stop codon at residue 922 of the BRIP1 protein. This variant is predicted to cause loss of normal protein function either through protein truncation or nonsense-mediated mRNA decay. Loss of function variants in BRIP1 are known to be pathogenic (PMID: 21964575). This variant was observed in 3/113686 chromosomes in the European (non-Finnish) population according to the Genome Aggregation Database (PMID: 32461654), and has been reported in ClinVar (Variation ID: 142366). Based on the current evidence available, this variant is interpreted as pathogenic.

Institute for Biomarker Research, Medical Diagnostic Laboratories, L.L.C.
Classification: Pathogenic for Hereditary cancer-predisposing syndrome. Last evaluated: 2018-05-23. Review status: criteria provided, single submitter. Criteria: ACMG Guidelines, 2015. Collection method: clinical testing. Allele origin: germline.

Counsyl
Classification: Pathogenic for Fanconi anemia complementation group J. Last evaluated: 2016-08-02. Review status: no assertion criteria provided. Collection method: clinical testing. Allele origin: unknown. Not counted in ClinVar's aggregate classification.

Counsyl
Classification: Pathogenic for Ovarian cancer. Last evaluated: 2016-08-02. Review status: no assertion criteria provided. Collection method: clinical testing. Allele origin: unknown. Not counted in ClinVar's aggregate classification.

Literature cited by the submitters: PubMed 16116423 (cited by Labcorp Genetics (formerly Invitae), Labcorp); PubMed 17033622 (cited by Labcorp Genetics (formerly Invitae), Labcorp); PubMed 21964575 (cited by Labcorp Genetics (formerly Invitae), Labcorp and Sema4); PubMed 25452441 (cited by 6 submitters); PubMed 26921362 (cited by 5 submitters); PubMed 29368626 (cited by 4 submitters); PubMed 33471991 (cited by 3 submitters); PubMed 26315354 (cited by 4 submitters); PubMed 29922827 (cited by Quest Diagnostics Nichols Institute San Juan Capistrano and Sema4); PubMed 31980526 (cited by Quest Diagnostics Nichols Institute San Juan Capistrano and Sema4); PubMed 33804961 (cited by Quest Diagnostics Nichols Institute San Juan Capistrano); PubMed 35022142 (cited by Quest Diagnostics Nichols Institute San Juan Capistrano); PubMed 34887416 (cited by Quest Diagnostics Nichols Institute San Juan Capistrano).